The following is an entry in ClinVar:

NM_001605.3(AARS1):c.1262C>T (p.Pro421Leu)

Gene: AARS1 (alanyl-tRNA synthetase 1; minus strand). Cytogenetic location: 16q22.1.
Variant type: single nucleotide variant.
Coding change: c.1262C>T on transcript NM_001605.3 (MANE Select); coding-DNA position 1262, C replaced by T.
Protein change: p.Pro421Leu; replaces proline 421 with leucine.
Molecular consequence: missense variant.
Genome position (GRCh38, 1-based): chr16:70,265,623, G>A on the plus strand (C>T on the coding strand, the complement: AARS1 is on the minus strand). VCF-style: chr16-70265623-G-A. GRCh37 (hg19) VCF-style: chr16-70299526-G-A.
Other names: short protein forms P421L.
Identifiers: ClinVar variation 4746005 (VCV004746005.1).

ClinVar aggregate classification (germline): Uncertain significance (1 of 4 stars; one submission).

Conditions:
Charcot-Marie-Tooth disease type 2. Also called: Charcot-Marie-Tooth type 2. Identifiers: Orphanet 64746, MedGen C0270914, MONDO:0018993.

Submission:

Labcorp Genetics (formerly Invitae), Labcorp
Classification: Uncertain significance for Charcot-Marie-Tooth disease type 2. Last evaluated: 2025-11-22. Review status: criteria provided, single submitter. Criteria: Invitae Variant Classification Sherloc (09022015). Collection method: clinical testing. Allele origin: germline.
Comment: This sequence change replaces proline, which is neutral and non-polar, with leucine, which is neutral and non-polar, at codon 421 of the AARS protein (p.Pro421Leu). This variant is not present in population databases (gnomAD no frequency). This variant has not been reported in the literature in individuals affected with AARS-related conditions. Invitae Evidence Modeling of protein sequence and biophysical properties (such as structural, functional, and spatial information, amino acid conservation, physicochemical variation, residue mobility, and thermodynamic stability) has been performed for this missense variant. However, the output from this modeling did not meet the statistical confidence thresholds required to predict the impact of this variant on AARS protein function. In summary, the available evidence is currently insufficient to determine the role of this variant in disease. Therefore, it has been classified as a Variant of Uncertain Significance.